The following is an entry in ClinVar:

ClinVar aggregate classification (germline): Pathogenic (1 of 4 stars; one submission).

Conditions:
Ehlers-Danlos syndrome, classic type, 1 (EDSCL1). Also called: EHLERS-DANLOS SYNDROME, GRAVIS TYPE; EHLERS-DANLOS SYNDROME, SEVERE CLASSIC TYPE; Ehlers-Danlos syndrome, type 1; Ehlers-Danlos Syndrome, Classic Type, COL5A1-Related; EDS I. Identifiers: MedGen C0268335, MONDO:0019567, OMIM 130000.

gnomAD v4.1: 1 of 1,612,472 alleles (0.000062%); highest among the groups gnomAD compares: South Asian, 0.0011%; no homozygotes.

Submission:

Labcorp Genetics (formerly Invitae), Labcorp
Classification: Pathogenic for Ehlers-Danlos syndrome, classic type, 1. Last evaluated: 2025-08-30. Review status: criteria provided, single submitter. Criteria: Invitae Variant Classification Sherloc (09022015). Collection method: clinical testing. Allele origin: germline.
Comment: This sequence change creates a premature translational stop signal (p.Glu1013*) in the COL5A1 gene. It is expected to result in an absent or disrupted protein product. Loss-of-function variants in COL5A1 are known to be pathogenic (PMID: 23587214). This variant is not present in population databases (gnomAD no frequency). This premature translational stop signal has been observed in individual(s) with Ehlers–Danlos syndrome (PMID: 22696272). For these reasons, this variant has been classified as Pathogenic.

Literature cited by the submitters: PubMed 23587214; PubMed 22696272.

NM_000093.5(COL5A1):c.3037G>T (p.Glu1013Ter)

Gene: COL5A1 (collagen type V alpha 1 chain; plus strand). Cytogenetic location: 9q34.3.
Variant type: single nucleotide variant.
Coding change: c.3037G>T on transcript NM_000093.5 (MANE Select); coding-DNA position 3037, G replaced by T.
Protein change: p.Glu1013Ter; replaces glutamic acid 1013 with a stop codon.
Molecular consequence: nonsense.
Genome position (GRCh38, 1-based): chr9:134,802,918, G>T. VCF-style: chr9-134802918-G-T. GRCh37 (hg19) VCF-style: chr9-137694764-G-T.
Other names: c.3037G>T, p.Glu1013Ter (NM_001278074.1); short protein forms E1013*.
Identifiers: ClinVar variation 4709718 (VCV004709718.1).